The following is an entry in ClinVar:

NM_001080517.3(SETD5):c.2104-1G>A

Gene: SETD5 (SET domain containing 5; plus strand). Cytogenetic location: 3p25.3.
Variant type: single nucleotide variant.
Coding change: c.2104-1G>A on transcript NM_001080517.3 (MANE Select); the canonical splice acceptor site of the intron before coding-DNA position 2104, G replaced by A.
Molecular consequence: splice acceptor variant.
Genome position (GRCh38, 1-based): chr3:9,448,387, G>A. VCF-style: chr3-9448387-G-A. GRCh37 (hg19) VCF-style: chr3-9490071-G-A.
Other names: c.1810-1G>A (NM_001349451.2, NM_001292043.2).
Identifiers: ClinVar variation 3376451 (VCV003376451.1).
Genomic context (GRCh38, chr3:9,448,387, plus strand): 5'-TCTTTATGAACTACACTGCTACCTCTTGATTTATAAACTAATGATCTCTTTTTTACCTTA[G>A]TATCTAGTTACAGAATGGTTGAATGACAAAGCAGAGAAGCAAGAGTGCCCTGTTGAGTGC-3'

ClinVar aggregate classification (germline): Likely pathogenic (1 of 4 stars; one submission).

Conditions:
Intellectual disability-facial dysmorphism syndrome due to SETD5 haploinsufficiency (MRD23). Also called: Intellectual developmental disorder, autosomal dominant 23. Identifiers: Orphanet 404440, MedGen C3810406, MONDO:0014336, OMIM 615761.

Submission:

Pittsburgh Clinical Genomics Laboratory, University of Pittsburgh Medical Center
Classification: Likely pathogenic for Intellectual disability-facial dysmorphism syndrome due to SETD5 haploinsufficiency. Last evaluated: 2024-05-24. Review status: criteria provided, single submitter. Criteria: ACMG Guidelines, 2015. Collection method: clinical testing. Allele origin: germline. Inheritance: Autosomal dominant inheritance. Affected: yes.
Comment: This sequence variant is a single nucleotide substitution (G>A) 1 base upstream of the acceptor splice site of exon 16 of 23 in the SETD5 gene. This variant is absent from ClinVar and has not been observed in individuals affected by a SETD5-related disorder in the published literature, to our knowledge. This variant is absent from the gnomAD v4.1.0 population database (0/~1613000 alleles). In silico splice tools predict that this G to A base change will disrupt splicing, and the nucleotide at this position is highly conserved across the vertebrate species examined. Studies examining the functional consequence of this variant have not been published, to our knowledge. Based upon the evidence, we consider this variant to be likely pathogenic. ACMG Criteria: PM2, PVS1